The following is an entry in ClinVar:

ClinVar aggregate classification (germline): Pathogenic (1 of 4 stars; one submission).

Submission:

Centre of Medical Genetics, University Hospital Muenster
Classification: Pathogenic. Last evaluated: 2024-09-29. Review status: criteria provided, single submitter. Criteria: ACMG Guidelines, 2015. Collection method: clinical testing. Allele origin: unknown. Affected: yes. Observed: 1 variant allele.
Comment: ACMG categories: PVS1,PM2

NM_014363.6(SACS):c.6924del (p.Thr2309fs)

Gene: SACS (sacsin molecular chaperone; minus strand). Cytogenetic location: 13q12.12.
Variant type: Deletion.
Coding change: c.6924del on transcript NM_014363.6 (MANE Select); coding-DNA position 6924, one base deleted (T; older notation c.6924delT).
Protein change: p.Thr2309fs; shifts the reading frame from threonine 2309.
Molecular consequence: frameshift variant.
Genome position (GRCh38, 1-based): chr13:23,336,952, A deleted on the plus strand (T on the coding strand, the reverse complement: SACS is on the minus strand); the first of 2 consecutive A bases (chr13:23,336,952-23,336,953); deleting either gives the same sequence. VCF-style (leftmost placement, unchanged base first): chr13-23336951-TA-T. GRCh37 (hg19) VCF-style: chr13-23911090-TA-T.
Other names: c.6483del, p.Thr2162fs (NM_001278055.2); short protein forms T2162fs, T2309fs.
Identifiers: ClinVar variation 3383388 (VCV003383388.2).